The following is an entry in ClinVar:

NM_001365999.1(SZT2):c.6340C>G (p.Pro2114Ala)

Gene: SZT2 (SZT2 subunit of KICSTOR complex; plus strand). Cytogenetic location: 1p34.2.
Variant type: single nucleotide variant.
Coding change: c.6340C>G on transcript NM_001365999.1 (MANE Select); coding-DNA position 6340, C replaced by G.
Protein change: p.Pro2114Ala; replaces proline 2114 with alanine.
Molecular consequence: missense variant.
Genome position (GRCh38, 1-based): chr1:43,437,644, C>G. VCF-style: chr1-43437644-C-G. GRCh37 (hg19) VCF-style: chr1-43903315-C-G.
Other names: c.6169C>G, p.Pro2057Ala (NM_015284.4); short protein forms P2057A, P2114A.
Identifiers: ClinVar variation 3603011 (VCV003603011.2).

ClinVar aggregate classification (germline): Uncertain significance (1 of 4 stars; one submission).

Submission:

GeneDx
Classification: Uncertain significance. Last evaluated: 2025-12-19. Review status: criteria provided, single submitter. Criteria: GeneDx Variant Classification Process June 2021. Collection method: clinical testing. Allele origin: germline.
Comment: Not observed at significant frequency in large population cohorts (gnomAD); In silico analysis suggests that this missense variant does not alter protein structure/function; Has not been previously published as pathogenic or benign to our knowledge